The following is an entry in ClinVar:

ClinVar aggregate classification (germline): Likely pathogenic (1 of 4 stars; one submission).
ClinVar aggregate classification (somatic clinical impact): Tier II - Potential (1 of 4 stars; one submission).

Conditions:
Pilocytic astrocytoma. Also called: Pilocytic astrocytoma, somatic. Identifiers: Orphanet 251612, MedGen C0334583, MONDO:0016691, HP:0033680.

Submissions (2):

Institute for Genomic Medicine (IGM) Clinical Laboratory, Nationwide Children's Hospital
Classification: Tier II - Potential for Pilocytic astrocytoma. Assertion type: diagnostic. Clinical significance: supports diagnosis. Last evaluated: 2023-03-01. Review status: criteria provided, single submitter. Criteria: AMP/ASCO/CAP Guidelines, 2017. Collection method: clinical testing. Allele origin: somatic. Affected: yes.
Comment: Variant has Tier II (potential) clinical significance as a diagnostic inclusion criterion in pilocytic astrocytoma, based on the following evidence: 1) Appears in one or more well-established professional guidelines (e.g., World Health Organization [WHO]; National Comprehensive Cancer Network [NCCN]) as providing diagnostic, prognostic, or therapeutic information. 2) Diagnostic significance based on multiple small studies (Evidence Level C; PMIDs: 23222849, 1568247, 28912153, 32055852, 27263935, 22155606).

GeneDx
Classification: Likely pathogenic. Last evaluated: 2022-07-25. Review status: criteria provided, single submitter. Criteria: GeneDx Variant Classification Process June 2021. Collection method: clinical testing. Allele origin: germline. Affected: yes.
Comment: Not observed at significant frequency in large population cohorts (gnomAD); In silico analysis supports that this missense variant has a deleterious effect on protein structure/function; Has not been previously published as pathogenic or benign to our knowledge; This variant is associated with the following publications: (PMID: 22807134, 25486365)

Literature cited by the submitters: PubMed 23222849 (cited by Institute for Genomic Medicine (IGM) Clinical Laboratory, Nationwide Children's Hospital); PubMed 1568247 (cited by Institute for Genomic Medicine (IGM) Clinical Laboratory, Nationwide Children's Hospital); PubMed 28912153 (cited by Institute for Genomic Medicine (IGM) Clinical Laboratory, Nationwide Children's Hospital); PubMed 32055852 (cited by Institute for Genomic Medicine (IGM) Clinical Laboratory, Nationwide Children's Hospital); PubMed 27263935 (cited by Institute for Genomic Medicine (IGM) Clinical Laboratory, Nationwide Children's Hospital); PubMed 22155606 (cited by Institute for Genomic Medicine (IGM) Clinical Laboratory, Nationwide Children's Hospital).

NM_001042492.3(NF1):c.3641T>A (p.Met1214Lys)

Gene: NF1 (neurofibromin 1; plus strand). Cytogenetic location: 17q11.2.
Variant type: single nucleotide variant.
Coding change: c.3641T>A on transcript NM_001042492.3 (MANE Select); coding-DNA position 3641, T replaced by A.
Protein change: p.Met1214Lys; replaces methionine 1214 with lysine.
Molecular consequence: missense variant.
Genome position (GRCh38, 1-based): chr17:31,233,146, T>A. VCF-style: chr17-31233146-T-A. GRCh37 (hg19) VCF-style: chr17-29560164-T-A.
Other names: c.3641T>A, p.Met1214Lys (NM_000267.4); short protein forms M1214K.
Identifiers: ClinVar variation 1699711 (VCV001699711.3), dbSNP rs1567851416, ClinGen allele CA398990410.